The following is an entry in ClinVar:

ClinVar aggregate classification (germline): Uncertain significance (1 of 4 stars; one submission).

Conditions:
Periodic fever-infantile enterocolitis-autoinflammatory syndrome. Also called: Autoinflammation with infantile enterocolitis. Identifiers: Orphanet 436166, MedGen C4015067, MONDO:0014472, OMIM 616050.
Familial cold autoinflammatory syndrome 4 (FCAS4). Identifiers: Orphanet 47045, Orphanet 576349, MedGen C4015276, MONDO:0014498, OMIM 616115.

Allele frequency attached by ClinVar (database versions not stated): gnomAD exomes below 0.00001; gnomAD 0.00001; TOPMed below 0.00001; ExAC 0.00001.

Submission:

Labcorp Genetics (formerly Invitae), Labcorp
Classification: Uncertain significance for Periodic fever-infantile enterocolitis-autoinflammatory syndrome; Familial cold autoinflammatory syndrome 4. Last evaluated: 2022-10-05. Review status: criteria provided, single submitter. Criteria: Invitae Variant Classification Sherloc (09022015). Collection method: clinical testing. Allele origin: germline.
Comment: In summary, the available evidence is currently insufficient to determine the role of this variant in disease. Therefore, it has been classified as a Variant of Uncertain Significance. Advanced modeling of protein sequence and biophysical properties (such as structural, functional, and spatial information, amino acid conservation, physicochemical variation, residue mobility, and thermodynamic stability) performed at Invitae indicates that this missense variant is not expected to disrupt NLRC4 protein function. This variant has not been reported in the literature in individuals affected with NLRC4-related conditions. This variant is present in population databases (rs746038670, gnomAD 0.003%). This sequence change replaces histidine, which is basic and polar, with arginine, which is basic and polar, at codon 378 of the NLRC4 protein (p.His378Arg).

NM_001199138.2(NLRC4):c.1133A>G (p.His378Arg)

Gene: NLRC4 (NLR family CARD domain containing 4; minus strand). Cytogenetic location: 2p22.3.
Variant type: single nucleotide variant.
Coding change: c.1133A>G on transcript NM_001199138.2 (MANE Select); coding-DNA position 1133, A replaced by G.
Protein change: p.His378Arg; replaces histidine 378 with arginine.
Molecular consequence: missense variant. On other transcripts: intron variant (1).
Genome position (GRCh38, 1-based): chr2:32,250,731, T>C on the plus strand (A>G on the coding strand, the complement: NLRC4 is on the minus strand). VCF-style: chr2-32250731-T-C. GRCh37 (hg19) VCF-style: chr2-32475800-T-C.
Other names: c.1133A>G, p.His378Arg (NM_001199139.2, NM_021209.5); c.262+1688A>G (NM_001302504.1); short protein forms H378R.
Identifiers: ClinVar variation 2011943 (VCV002011943.4), dbSNP rs746038670, ClinGen allele CA1602034.